The following is an entry in ClinVar:

NM_000245.4(MET):c.2372A>C (p.Gln791Pro)

Gene: MET (MET proto-oncogene, receptor tyrosine kinase; plus strand). Cytogenetic location: 7q31.2.
Variant type: single nucleotide variant.
Coding change: c.2372A>C on transcript NM_000245.4 (MANE Select); coding-DNA position 2372, A replaced by C.
Protein change: p.Gln791Pro; replaces glutamine 791 with proline.
Molecular consequence: missense variant.
Genome position (GRCh38, 1-based): chr7:116,763,057, A>C. VCF-style: chr7-116763057-A-C. GRCh37 (hg19) VCF-style: chr7-116403111-A-C.
Other names: c.2426A>C, p.Gln809Pro (NM_001127500.3); c.2372A>C, p.Gln791Pro (NM_001324401.3); c.1082A>C, p.Gln361Pro (NM_001324402.2); short protein forms Q361P, Q791P, Q809P.
Identifiers: ClinVar variation 1714600 (VCV001714600.5), dbSNP rs1794457657, ClinGen allele CA368982813.

ClinVar aggregate classification (germline): Uncertain significance (1 of 4 stars; one submission).

Conditions:
Renal cell carcinoma. Identifiers: Orphanet 217071, MedGen C0007134, MeSH D002292, MONDO:0005086, HP:0005584.

Submission:

Labcorp Genetics (formerly Invitae), Labcorp
Classification: Uncertain significance for Renal cell carcinoma. Last evaluated: 2022-07-30. Review status: criteria provided, single submitter. Criteria: Invitae Variant Classification Sherloc (09022015). Collection method: clinical testing. Allele origin: germline.
Comment: In summary, the available evidence is currently insufficient to determine the role of this variant in disease. Therefore, it has been classified as a Variant of Uncertain Significance. Algorithms developed to predict the effect of missense changes on protein structure and function (SIFT, PolyPhen-2, Align-GVGD) all suggest that this variant is likely to be tolerated. This variant has not been reported in the literature in individuals affected with MET-related conditions. This variant is not present in population databases (gnomAD no frequency). This sequence change replaces glutamine, which is neutral and polar, with proline, which is neutral and non-polar, at codon 809 of the MET protein (p.Gln809Pro).